The following is an entry in ClinVar:

ClinVar aggregate classification (germline): Uncertain significance (1 of 4 stars; one submission).

Allele frequency attached by ClinVar (database versions not stated): TOPMed below 0.00001; gnomAD exomes 0.00001.
gnomAD v4.1: 8 of 1,614,158 alleles (0.0005%); highest among the groups gnomAD compares: Non-Finnish European, 0.00068%; no homozygotes.

Submission:

GeneDx
Classification: Uncertain significance. Last evaluated: 2022-01-28. Review status: criteria provided, single submitter. Criteria: GeneDx Variant Classification Process June 2021. Collection method: clinical testing. Allele origin: germline. Affected: yes.
Comment: Not observed at significant frequency in large population cohorts (gnomAD); In silico analysis supports that this missense variant does not alter protein structure/function; Has not been previously published as pathogenic or benign to our knowledge

NM_015001.3(SPEN):c.2017T>C (p.Tyr673His)

Gene: SPEN (spen family transcriptional repressor; plus strand). Cytogenetic location: 1p36.13.
Variant type: single nucleotide variant.
Coding change: c.2017T>C on transcript NM_015001.3 (MANE Select); coding-DNA position 2017, T replaced by C.
Protein change: p.Tyr673His; replaces tyrosine 673 with histidine.
Molecular consequence: missense variant.
Genome position (GRCh38, 1-based): chr1:15,928,257, T>C. VCF-style: chr1-15928257-T-C. GRCh37 (hg19) VCF-style: chr1-16254752-T-C.
Other names: short protein forms Y673H.
Identifiers: ClinVar variation 1699614 (VCV001699614.2), dbSNP rs2071186869, ClinGen allele CA338597717.